The following is an entry in ClinVar:

NC_000011.10:g.8039010G>T

Gene: TUB (TUB bipartite transcription factor; plus strand). Cytogenetic location: 11p15.4.
Variant type: single nucleotide variant.
Molecular consequence: missense variant (on NM_003320.5). On other transcripts: intron variant (4).
Genome position: GRCh38 VCF-style: chr11-8039010-G-T. GRCh37 (hg19) VCF-style: chr11-8060557-G-T.
Other names: c.137G>T, p.Arg46Leu (NM_003320.5); c.56+19652G>T (NM_001440538.1, NM_001440539.1, NM_001440540.1 and 1 more transcripts); short protein forms R46L.
Identifiers: ClinVar variation 1716540 (VCV001716540.5), dbSNP rs747380073, ClinGen allele CA379566434.

ClinVar aggregate classification (germline): Uncertain significance (1 of 4 stars; one submission).

gnomAD v4.1: 1 of 1,613,472 alleles (0.000062%); highest among the groups gnomAD compares: Non-Finnish European, 0.000085%; no homozygotes.

Submission:

Labcorp Genetics (formerly Invitae), Labcorp
Classification: Uncertain significance. Last evaluated: 2024-02-16. Review status: criteria provided, single submitter. Criteria: Invitae Variant Classification Sherloc (09022015). Collection method: clinical testing. Allele origin: germline.
Comment: This sequence change replaces arginine, which is basic and polar, with leucine, which is neutral and non-polar, at codon 46 of the TUB protein (p.Arg46Leu). This variant is not present in population databases (gnomAD no frequency). This variant has not been reported in the literature in individuals affected with TUB-related conditions. ClinVar contains an entry for this variant (Variation ID: 1716540). An algorithm developed to predict the effect of missense changes on protein structure and function (PolyPhen-2) suggests that this variant is likely to be tolerated. In summary, the available evidence is currently insufficient to determine the role of this variant in disease. Therefore, it has been classified as a Variant of Uncertain Significance.